The following is an entry in ClinVar:

ClinVar aggregate classification (germline): Uncertain significance (1 of 4 stars; one submission).

Conditions:
Psoriasis 2. Identifiers: MedGen C1864497, MONDO:0011269, OMIM 602723.
Pityriasis rubra pilaris (PRP). Also called: Pityriasis rubra pilaris--familial type. Identifiers: Orphanet 2897, MedGen C0032027, MONDO:0100017, OMIM 173200, MONDO:0008251.

Allele frequency attached by ClinVar (database versions not stated): TOPMed below 0.00001; ExAC 0.00002; ESP Exome Variant Server 0.00008.
gnomAD v4.1: 1 of 1,553,410 alleles (0.000064%); no homozygotes.

Submission:

Labcorp Genetics (formerly Invitae), Labcorp
Classification: Uncertain significance for Pityriasis rubra pilaris; Psoriasis 2. Last evaluated: 2022-02-10. Review status: criteria provided, single submitter. Criteria: Invitae Variant Classification Sherloc (09022015). Collection method: clinical testing. Allele origin: germline.
Comment: In summary, the available evidence is currently insufficient to determine the role of this variant in disease. Therefore, it has been classified as a Variant of Uncertain Significance. Variants that disrupt the consensus splice site are a relatively common cause of aberrant splicing (PMID: 17576681, 9536098). Algorithms developed to predict the effect of sequence changes on RNA splicing suggest that this variant is not likely to affect RNA splicing. This variant has not been reported in the literature in individuals affected with CARD14-related conditions. This variant is not present in population databases (gnomAD no frequency). This sequence change falls in intron 17 of the CARD14 gene. It does not directly change the encoded amino acid sequence of the CARD14 protein. It affects a nucleotide within the consensus splice site.

Literature cited by the submitters: PubMed 17576681; PubMed 9536098.

NM_001366385.1(CARD14):c.2398+3G>A

Genes: CARD14 (caspase recruitment domain family member 14; plus strand), SGSH (N-sulfoglucosamine sulfohydrolase; minus strand). Cytogenetic location: 17q25.3.
Variant type: single nucleotide variant.
Coding change: c.2398+3G>A on transcript NM_001366385.1 (MANE Select); 3 bases into the intron after coding-DNA position 2398, G replaced by A.
Molecular consequence: intron variant. On other transcripts: non-coding transcript variant (1).
Genome position (GRCh38, 1-based): chr17:80,204,344, G>A. VCF-style: chr17-80204344-G-A. GRCh37 (hg19) VCF-style: chr17-78178143-G-A.
Other names: c.2398+3G>A (NM_024110.4).
Identifiers: ClinVar variation 1363869 (VCV001363869.6), dbSNP rs371430475, ClinGen allele CA8817289.